The following is an entry in ClinVar:

NM_005664.4(MKRN3):c.1487A>G (p.His496Arg)

Gene: MKRN3 (makorin ring finger protein 3; plus strand). Cytogenetic location: 15q11.2.
Variant type: single nucleotide variant.
Coding change: c.1487A>G on transcript NM_005664.4 (MANE Select); coding-DNA position 1487, A replaced by G.
Protein change: p.His496Arg; replaces histidine 496 with arginine.
Molecular consequence: missense variant.
Genome position (GRCh38, 1-based): chr15:23,567,269, A>G. VCF-style: chr15-23567269-A-G. GRCh37 (hg19) VCF-style: chr15-23812416-A-G.
Other names: short protein forms H496R.
Identifiers: ClinVar variation 2507669 (VCV002507669.18), dbSNP rs749506944, ClinGen allele CA7429594.
Genomic context (GRCh38, chr15:23,567,269, plus strand): 5'-AGCGGTTTCTTTCACTGAGAGATGAGTTACCCTTCTCTGAGGACCAGTGGGACTTGCTTC[A>G]TTATGAGCTGGAAGAATATTTCAATTTGATTCTGTAGCATCGTGCTGTGGCATGTGGTCT-3'
Protein context (NP_005655.1, residues 486-506): PFSEDQWDLL[His496Arg]YELEEYFNLI

ClinVar aggregate classification (germline): Uncertain significance. Review status: criteria provided, multiple submitters, no conflicts (2 of 4 stars). 2 submissions from 2 submitters: Uncertain significance (2). Last evaluated 2024-08-01.

Conditions:
Inborn genetic diseases. Identifiers: MedGen C0950123, MeSH D030342.

Allele frequency attached by ClinVar (database versions not stated): ExAC 0.00001; gnomAD exomes 0.00001; gnomAD 0.00002; TOPMed 0.00002.
gnomAD v4.1: 24 of 1,614,192 alleles (0.0015%); highest among the groups gnomAD compares: Middle Eastern, 0.066%; no homozygotes.

Submissions (2):

CeGaT Center for Human Genetics Tuebingen
Classification: Uncertain significance. Last evaluated: 2024-08-01. Review status: criteria provided, single submitter. Criteria: CeGaT Center For Human Genetics Tuebingen Variant Classification Criteria Version 2. Collection method: clinical testing. Allele origin: germline. Affected: yes. Observed: 1 variant allele.
Comment: MKRN3: PM2, BP4, BP5

Ambry Genetics
Classification: Uncertain significance for Inborn genetic diseases. Last evaluated: 2023-04-25. Review status: criteria provided, single submitter. Criteria: Ambry Variant Classification Scheme 2023. Collection method: clinical testing. Allele origin: germline.